The following is an entry in ClinVar:

ClinVar aggregate classification (germline): Pathogenic (1 of 4 stars; one submission).

Submission:

GeneDx
Classification: Pathogenic. Last evaluated: 2019-07-10. Review status: criteria provided, single submitter. Criteria: GeneDx Variant Classification Process June 2021. Collection method: clinical testing. Allele origin: germline. Affected: yes.
Comment: Not observed in large population cohorts (Lek et al., 2016); Canonical splice site variant predicted to result in aberrant splicing; Splice site variants in this gene are frequently reported as pathogenic, regardless of frame prediction (Stenson et al., 2014); This variant is associated with the following publications: (PMID: 12402346, 14695540, 28642162, 25525159)

NM_000138.5(FBN1):c.4817-1G>A

Gene: FBN1 (fibrillin 1; minus strand). Cytogenetic location: 15q21.1.
Variant type: single nucleotide variant.
Coding change: c.4817-1G>A on transcript NM_000138.5 (MANE Select); the canonical splice acceptor site of the intron before coding-DNA position 4817, G replaced by A.
Molecular consequence: splice acceptor variant.
Genome position (GRCh38, 1-based): chr15:48,465,694, C>T on the plus strand (G>A on the coding strand, the complement: FBN1 is on the minus strand). VCF-style: chr15-48465694-C-T. GRCh37 (hg19) VCF-style: chr15-48757891-C-T.
Other names: c.4817-1G>A (NM_001406716.1).
Identifiers: ClinVar variation 1190111 (VCV001190111.2), dbSNP rs2141269787, ClinGen allele CA392351455.